The following is an entry in ClinVar:

ClinVar aggregate classification (germline): Likely pathogenic (1 of 4 stars; one submission).

Conditions:
Junctional epidermolysis bullosa. Identifiers: Orphanet 305, MedGen C0079301, MONDO:0017612.

Allele frequency attached by ClinVar (database versions not stated): TOPMed below 0.00001; gnomAD 0.00001.

Submission:

Women's Health and Genetics/Laboratory Corporation of America, LabCorp
Classification: Likely pathogenic for Junctional epidermolysis bullosa. Last evaluated: 2022-04-05. Review status: criteria provided, single submitter. Criteria: LabCorp Variant Classification Summary - May 2015. Collection method: clinical testing. Allele origin: germline.
Comment: Variant summary: LAMA3 c.1045G>T (p.Gly349X) results in a premature termination codon, predicted to cause a truncation of the encoded protein or absence of the protein due to nonsense mediated decay, which are commonly known mechanisms for disease. Truncations downstream of this position have been classified as pathogenic by our laboratory. The variant was absent in 251400 control chromosomes (gnomAD). To our knowledge, no occurrence of c.1045G>T in individuals affected with Junctional Epidermolysis Bullosa and no experimental evidence demonstrating its impact on protein function have been reported. No clinical diagnostic laboratories have submitted clinical-significance assessments for this variant to ClinVar after 2014. Based on the evidence outlined above, the variant was classified as likely pathogenic.

NM_198129.4(LAMA3):c.5872G>T (p.Gly1958Ter)

Gene: LAMA3 (laminin subunit alpha 3; plus strand). Cytogenetic location: 18q11.2.
Variant type: single nucleotide variant.
Coding change: c.5872G>T on transcript NM_198129.4 (MANE Select); coding-DNA position 5872, G replaced by T.
Protein change: p.Gly1958Ter; replaces glycine 1958 with a stop codon.
Molecular consequence: nonsense. On other transcripts: intron variant (2).
Genome position (GRCh38, 1-based): chr18:23,899,323, G>T. VCF-style: chr18-23899323-G-T. GRCh37 (hg19) VCF-style: chr18-21479287-G-T.
Other names: c.1045G>T, p.Gly349Ter (NM_000227.6); c.5836+258G>T (NM_001127717.4); c.1009+258G>T (NM_001127718.4); short protein forms G1958*, G349*.
Identifiers: ClinVar variation 1683232 (VCV001683232.1), dbSNP rs2080986242, ClinGen allele CA402047210.